The following is an entry in ClinVar:

NM_006517.5(SLC16A2):c.251A>G (p.Glu84Gly)

Gene: SLC16A2 (solute carrier family 16 member 2; plus strand). Cytogenetic location: Xq13.2.
Variant type: single nucleotide variant.
Coding change: c.251A>G on transcript NM_006517.5 (MANE Select); coding-DNA position 251, A replaced by G.
Protein change: p.Glu84Gly; replaces glutamic acid 84 with glycine.
Molecular consequence: missense variant.
Genome position (GRCh38, 1-based): chrX:74,421,888, A>G. VCF-style: chrX-74421888-A-G. GRCh37 (hg19) VCF-style: chrX-73641723-A-G.
Other names: short protein forms E84G.
Identifiers: ClinVar variation 1717024 (VCV001717024.5), dbSNP rs2519759463, ClinGen allele CA413656094.
Genomic context (GRCh38, chrX:74,421,888, plus strand): 5'-TGCCGGAGCTGGAGTTCGAGTCCGAGCGGGTGCACGAACCCGAGCCCACGCCTACGGTAG[A>G]GACCCGCGGCACCGCGCGCGGCTTCCAGCCTCCCGAAGGTGGCTTCGGCTGGGTGGTGGT-3'
Protein context (NP_006508.2, residues 74-94): VHEPEPTPTV[Glu84Gly]TRGTARGFQP

ClinVar aggregate classification (germline): Uncertain significance (1 of 4 stars; one submission).

Conditions:
Spastic paraplegia. Identifiers: MedGen C0037772, HP:0001258.

Submission:

Labcorp Genetics (formerly Invitae), Labcorp
Classification: Uncertain significance for Spastic paraplegia. Last evaluated: 2022-08-20. Review status: criteria provided, single submitter. Criteria: Invitae Variant Classification Sherloc (09022015). Collection method: clinical testing. Allele origin: germline.
Comment: This variant has not been reported in the literature in individuals affected with SLC16A2-related conditions. This variant is not present in population databases (gnomAD no frequency). This sequence change replaces glutamic acid, which is acidic and polar, with glycine, which is neutral and non-polar, at codon 84 of the SLC16A2 protein (p.Glu84Gly). In summary, the available evidence is currently insufficient to determine the role of this variant in disease. Therefore, it has been classified as a Variant of Uncertain Significance. Advanced modeling of protein sequence and biophysical properties (such as structural, functional, and spatial information, amino acid conservation, physicochemical variation, residue mobility, and thermodynamic stability) performed at Invitae indicates that this missense variant is not expected to disrupt SLC16A2 protein function.